The following is an entry in ClinVar:

ClinVar aggregate classification (germline): Benign. Review status: criteria provided, multiple submitters, no conflicts (2 of 4 stars). 2 submissions from 2 submitters: Benign (2). Last evaluated 2018-01-13.

Conditions:
Amyotrophic neuralgia (HNA). Also called: AMYOTROPHY, HEREDITARY NEURALGIC; AMYOTROPHY, HEREDITARY NEURALGIC, WITH PREDILECTION FOR BRACHIAL PLEXUS; Hereditary Brachial Plexus Neuropathy; Neuritis with Brachial Predilection. Identifiers: Orphanet 2901, MedGen C1834304, MONDO:0008076, OMIM 162100.

Allele frequency attached by ClinVar (database versions not stated): ExAC 0.00061.

Submissions (2):

Illumina Laboratory Services, Illumina
Classification: Benign for Amyotrophy, hereditary neuralgic. Last evaluated: 2018-01-13. Review status: criteria provided, single submitter. Criteria: ICSL Variant Classification Criteria 13 December 2019. Collection method: clinical testing. Allele origin: germline.
Comment: This variant was observed in the ICSL laboratory as part of a predisposition screen in an ostensibly healthy population. It had not been previously curated by ICSL or reported in the Human Gene Mutation Database (HGMD: prior to June 1st, 2018), and was therefore a candidate for classification through an automated scoring system. Utilizing variant allele frequency, disease prevalence and penetrance estimates, and inheritance mode, an automated score was calculated to assess if this variant is too frequent to cause the disease. Based on the score and internal cut-off values, a variant classified as benign is not then subjected to further curation. The score for this variant resulted in a classification of benign for this disease.

Breakthrough Genomics
Classification: Benign. Review status: criteria provided, single submitter. Criteria: ACMG Guidelines, 2015. Collection method: not provided. Allele origin: germline. Inheritance: Autosomal dominant inheritance. Affected: yes.

NM_001113491.2(SEPTIN9):c.*15A>C

Gene: SEPTIN9 (septin 9; plus strand). Cytogenetic location: 17q25.3.
Variant type: single nucleotide variant.
Coding change: c.*15A>C on transcript NM_001113491.2 (MANE Select); 15 bases downstream of the stop codon, A replaced by C.
Molecular consequence: 3 prime UTR variant.
Genome position (GRCh38, 1-based): chr17:77,498,673, A>C. VCF-style: chr17-77498673-A-C. GRCh37 (hg19) VCF-style: chr17-75494755-A-C.
Other names: c.*15A>C (NM_001113492.2, NM_001113493.2, NM_001113494.1 and 7 more transcripts).
Identifiers: ClinVar variation 889167 (VCV000889167.5), dbSNP rs759620828, ClinGen allele CA8793941.